The following is an entry in ClinVar:

ClinVar aggregate classification (germline): Uncertain significance (1 of 4 stars; one submission).

Conditions:
Febrile seizures, familial, 8 (FEB8). Also called: CONVULSIONS, FAMILIAL FEBRILE, 8. Identifiers: Orphanet 36387, MedGen C1969810, MONDO:0011891, OMIM 607681.
EPILEPSY, CHILDHOOD ABSENCE, SUSCEPTIBILITY TO, 2 (ECA2). Identifiers: Orphanet 64280, MedGen C1843244, OMIM 607681.

Submission:

Labcorp Genetics (formerly Invitae), Labcorp
Classification: Uncertain significance for Febrile seizures, familial, 8; EPILEPSY, CHILDHOOD ABSENCE, SUSCEPTIBILITY TO, 2. Last evaluated: 2024-10-08. Review status: criteria provided, single submitter. Criteria: Invitae Variant Classification Sherloc (09022015). Collection method: clinical testing. Allele origin: germline.
Comment: This sequence change replaces glycine, which is neutral and non-polar, with aspartic acid, which is acidic and polar, at codon 176 of the GABRG2 protein (p.Gly176Asp). This variant is not present in population databases (gnomAD no frequency). This variant has not been reported in the literature in individuals affected with GABRG2-related conditions. Invitae Evidence Modeling of protein sequence and biophysical properties (such as structural, functional, and spatial information, amino acid conservation, physicochemical variation, residue mobility, and thermodynamic stability) indicates that this missense variant is expected to disrupt GABRG2 protein function with a positive predictive value of 95%. In summary, the available evidence is currently insufficient to determine the role of this variant in disease. Therefore, it has been classified as a Variant of Uncertain Significance.

NM_198904.4(GABRG2):c.527G>A (p.Gly176Asp)

Gene: GABRG2 (gamma-aminobutyric acid type A receptor subunit gamma2; plus strand). Cytogenetic location: 5q34.
Variant type: single nucleotide variant.
Coding change: c.527G>A on transcript NM_198904.4 (MANE Select); coding-DNA position 527, G replaced by A.
Protein change: p.Gly176Asp; replaces glycine 176 with aspartic acid.
Molecular consequence: missense variant.
Genome position (GRCh38, 1-based): chr5:162,097,837, G>A. VCF-style: chr5-162097837-G-A. GRCh37 (hg19) VCF-style: chr5-161524843-G-A.
Other names: c.527G>A, p.Gly176Asp (NM_000816.3, NM_001375340.1, NM_001375341.1 and 4 more transcripts); c.518G>A, p.Gly173Asp (NM_001375339.1); c.461G>A, p.Gly154Asp (NM_001375345.1, NM_001375346.1); c.440G>A, p.Gly147Asp (NM_001375347.1); c.107G>A, p.Gly36Asp (NM_001375348.1, NM_001375350.1); c.242G>A, p.Gly81Asp (NM_001375349.1); short protein forms G147D, G154D, G173D, G176D, G36D, G81D.
Identifiers: ClinVar variation 3753881 (VCV003753881.2).
Genomic context (GRCh38, chr5:162,097,837, plus strand): 5'-AAAAAGCTGATGCACACTGGATCACCACCCCCAACAGGATGCTGAGAATTTGGAATGATG[G>A]TCGAGTGCTCTACACCCTAAGGTATTCTTTTGCAAAAGGAAAGGAGTAATTGTTAGGAAG-3'
Protein context (NP_944494.1, residues 166-186): PNRMLRIWND[Gly176Asp]RVLYTLRLTI